The following is an entry in ClinVar:

ClinVar aggregate classification (germline): Pathogenic. Review status: reviewed by expert panel (3 of 4 stars). 13 submissions from 13 submitters: Pathogenic (1). 12 of the submissions do not count toward it. Last evaluated 2024-01-31.

Conditions:
Leber congenital amaurosis (LCA). Also called: Leber's amaurosis. Identifiers: Orphanet 65, MedGen C0339527, MeSH D057130, MONDO:0018998.
Leber congenital amaurosis 2 (LCA2). Also called: Autosomal Recessive RPE65-Related Retinal Degeneration; AMAUROSIS CONGENITA OF LEBER II. Identifiers: Orphanet 65, MedGen C1859844, MONDO:0008765, OMIM 204100. Disease mechanism: loss of function.
Retinitis pigmentosa 20 (RP20). Identifiers: Orphanet 791, MedGen C3151086, MONDO:0013425, OMIM 613794.
RPE65-related recessive retinopathy. Also called: Recessive RPE65 retinopathy. Identifiers: MedGen CN305526, MONDO:0100368.
RPE65-related disorder. Also called: RPE65-related disorders; RPE65-related condition. Identifiers: MedGen CN239301.

Submissions (13):

ClinGen Leber Congenital Amaurosis/early Onset Retinal Dystrophy Variant Curation Expert Panel, ClinGen
Classification: Pathogenic for RPE65-related recessive retinopathy. Last evaluated: 2024-01-31. Review status: reviewed by expert panel. Criteria: ClinGen LCAeoRD ACMG Specifications RPE65 V1.0.0. Collection method: curation. Allele origin: germline. Inheritance: Autosomal recessive inheritance.
Comment: The NM_000329.3(RPE65):c.1067dup (p.Asn356fs) variant is a frameshift in exon 10 of 14 that is predicted to lead to nonsense mediated decay in a gene in which loss-of-function is an established disease mechanism (PVS1). The variant has been observed in multiple probands in the compound heterozygous state with other variants (PMID: 26906952, PMID: 35129589), but has not been evaluated for the PM3 code. In one case, the variant has been reported to segregate with childhood-onset severe retinal dystrophy through the proband plus 1 similarly affected relative, with the variant present in the compound heterozygous state (PMID: 32032261, PP1). This variant is present in gnomAD v2.1.1 at a GrpMax Filtering allele frequency of 0.00007526 with 7 alleles / 35330 total alleles in the Latino / Admixed American population, which is lower than the ClinGen LCA / eoRD VCEP PM2_Supporting threshold of <0.0002 (PM2_Supporting). In summary, this variant meets the criteria to be classified as Pathogenic for RPE65-related recessive retinopathy based on the ACMG/AMP criteria applied, as specified by the ClinGen LCA/eoRD VCEP: PVS1, PM2_supporting, and PP1. (VCEP specifications version 1.0.0; date of approval 09/21/2023).

PreventionGenetics, part of Exact Sciences
Classification: Pathogenic for RPE65-related condition. Last evaluated: 2026-08-18. Review status: criteria provided, single submitter. Criteria: ACMG Guidelines, 2015. Collection method: clinical testing. Allele origin: germline. Not counted in ClinVar's aggregate classification.
Comment: The RPE65 c.1067dupA variant is predicted to result in a frameshift and premature protein termination (p.Asn356Lysfs*9). This variant has been reported, in the homozygous state or in the heterozygous state with a second possible causative variant in the same gene, in multiple individuals with autosomal recessive retinal dystrophy, including Leber congenital amaurosis (see for example Table 3 in Testa et al. 2022. PubMed ID: 35129589; Table 1 in Bell et al. 2021. PubMed ID: 33494148; Table 2 in Zenteno et al. 2019. PubMed ID: 31736247). This variant is reported in 0.020% of alleles in individuals of Latino descent in gnomAD. This variant has been classified as pathogenic by multiple sites, including the ClinGen Curation Expert Panel (Variation ID: 596673). Frameshift variants in RPE65 are expected to be pathogenic. This variant is interpreted as pathogenic.

Labcorp Genetics (formerly Invitae), Labcorp
Classification: Pathogenic for Leber congenital amaurosis 2; Retinitis pigmentosa 20. Last evaluated: 2025-09-15. Review status: criteria provided, single submitter. Criteria: Invitae Variant Classification Sherloc (09022015). Collection method: clinical testing. Allele origin: germline. Not counted in ClinVar's aggregate classification.
Comment: This sequence change creates a premature translational stop signal (p.Asn356Lysfs*9) in the RPE65 gene. It is expected to result in an absent or disrupted protein product. Loss-of-function variants in RPE65 are known to be pathogenic (PMID: 9326941, 9501220, 9843205, 18632300). This variant is present in population databases (rs766074572, gnomAD 0.03%). This premature translational stop signal has been observed in individuals with retinal dystrophy (PMID: 19959640, 24997176, 26906952). This variant is also known as Lys354 ins1gtgA. ClinVar contains an entry for this variant (Variation ID: 596673). Algorithms developed to predict the effect of sequence changes on RNA splicing suggest that this variant may disrupt the consensus splice site. For these reasons, this variant has been classified as Pathogenic.

3billion
Classification: Pathogenic for Leber congenital amaurosis 2. Last evaluated: 2024-12-12. Review status: criteria provided, single submitter. Criteria: ACMG Guidelines, 2015. Collection method: clinical testing. Allele origin: germline. Affected: yes. Not counted in ClinVar's aggregate classification.
Comment: The variant is observed at an extremely low frequency in the gnomAD v4.1.0 dataset (total allele frequency: 0.001%). Predicted Consequence/Location: Frameshift: predicted to result in a loss or disruption of normal protein function through nonsense-mediated decay (NMD) or protein truncation. Multiple pathogenic variants are reported downstream of the variant. The variant has been reported multiple times as an established pathogenic variant (ClinVar ID: VCV000596673 /PMID: 19959640, 35129589 /3billion dataset). Therefore, this variant is classified as Pathogenic according to the recommendation of ACMG/AMP guideline.

Natera, Inc.
Classification: Pathogenic for Leber congenital amaurosis. Last evaluated: 2024-08-28. Review status: criteria provided, single submitter. Criteria: Natera Variant Classification Schema (03/2026). Collection method: clinical testing. Allele origin: germline. Not counted in ClinVar's aggregate classification.
Comment: The c.1067dupA variant in RPE65 is a frameshift variant predicted to shift the reading frame beginning at codon 356 and leads to a stop codon 9 codons downstream. This variant is expected to result in nonsense mediated decay, truncation, or a dysfunctional protein product. This variant is rare in the general population with a frequency below the threshold expected for the associated phenotype(s). This variant has been observed in one or more individuals affected with the associated recessive disease, as either homozygous or compound heterozygous with a second variant (PMID: 29343940, 36087940). Given the available evidence, this variant is classified as Pathogenic.

Myriad Genetics, Inc.
Classification: Pathogenic for RPE65-related recessive retinopathy. Last evaluated: 2024-05-06. Review status: criteria provided, single submitter. Criteria: Myriad Autosomal Dominant, Autosomal Recessive and X-Linked Classification Criteria (2023). Collection method: clinical testing. Allele origin: unknown. Not counted in ClinVar's aggregate classification.
Comment: NM_000329.2(RPE65):c.1067dupA(N356Kfs*9) is expected to be pathogenic in the context of inherited retinal dystrophy, RPE65-related. This variant is predicted to lead to an abnormal or absent protein product due to the creation of a premature termination codon in RPE65, a gene where loss-of-function variants are known to be pathogenic. Please note: this variant was assessed in the context of healthy population screening.

Baylor Genetics
Classification: Pathogenic for Leber congenital amaurosis 2. Last evaluated: 2023-12-05. Review status: criteria provided, single submitter. Criteria: ACMG Guidelines, 2015. Collection method: clinical testing. Allele origin: unknown. Not counted in ClinVar's aggregate classification.

Women's Health and Genetics/Laboratory Corporation of America, LabCorp
Classification: Pathogenic for Leber congenital amaurosis. Last evaluated: 2023-01-21. Review status: criteria provided, single submitter. Criteria: LabCorp Variant Classification Summary - May 2015. Collection method: clinical testing. Allele origin: germline. Not counted in ClinVar's aggregate classification.
Comment: Variant summary: RPE65 c.1067dupA (p.Asn356LysfsX9) results in a premature termination codon, predicted to cause a truncation of the encoded protein or absence of the protein due to nonsense mediated decay, which are commonly known mechanisms for disease. Truncations downstream of this position have been classified as pathogenic within ClinVar (e.g. c.1205G>A [p.Trp402Ter], c.1207_1210dup [p.Glu404fs]). The variant allele was found at a frequency of 2.8e-05 in 250394 control chromosomes (gnomAD). c.1067dupA has been reported in the literature as a biallelic genotype in multiple individuals affected with Retinal Dystrophy, including Leber Congenital Amaurosis (e.g. Pasadhika_2010, Zentano_2019, Surl_2020, Bell_2021, Testa_2022). These data indicate that the variant is very likely to be associated with disease. To our knowledge, no experimental evidence demonstrating an impact on protein function has been reported. Five ClinVar submitters have assessed the variant since 2014: all five classified the variant as pathogenic. Based on the evidence outlined above, the variant was classified as pathogenic.

Blueprint Genetics
Classification: Pathogenic for RPE65-related disorders. Last evaluated: 2022-11-06. Review status: criteria provided, single submitter. Criteria: ACMG Guidelines, 2015. Collection method: clinical testing. Allele origin: germline. Affected: yes. Observed: 5 variant alleles. Not counted in ClinVar's aggregate classification.

GeneDx
Classification: Pathogenic. Last evaluated: 2019-08-14. Review status: criteria provided, single submitter. Criteria: GeneDx Variant Classification Process June 2021. Collection method: clinical testing. Allele origin: germline. Affected: yes. Not counted in ClinVar's aggregate classification.
Comment: Frameshift variant predicted to result in protein truncation or nonsense mediated decay in a gene for which loss-of-function is a known mechanism of disease; This variant is associated with the following publications: (PMID: 31589614, 33494148, 31736247, 32165824, 19959640, 29681726, 26906952)

Eurofins Ntd Llc (ga)
Classification: Pathogenic. Last evaluated: 2018-03-23. Review status: criteria provided, single submitter. Criteria: EGL ClinVar v180209 classification definitions. Collection method: clinical testing. Allele origin: germline. Observed: 1 variant allele, 1 heterozygote. Not counted in ClinVar's aggregate classification.

Neuberg Centre For Genomic Medicine, NCGM
Classification: Pathogenic for Retinitis pigmentosa 20. Review status: criteria provided, single submitter. Criteria: ACMG Guidelines, 2015. Collection method: clinical testing. Allele origin: germline. Inheritance: Autosomal recessive inheritance. Affected: yes. Not counted in ClinVar's aggregate classification.

Laboratory of Genetics in Ophthalmology, Institut Imagine
Classification: Pathogenic for Leber congenital amaurosis 2. Review status: no assertion criteria provided. Collection method: research. Allele origin: inherited. Affected: yes. Observed: 1 variant allele. Not counted in ClinVar's aggregate classification.

Literature cited by the submitters: PubMed 9326941 (cited by Labcorp Genetics (formerly Invitae), Labcorp); PubMed 9501220 (cited by Labcorp Genetics (formerly Invitae), Labcorp); PubMed 9843205 (cited by Labcorp Genetics (formerly Invitae), Labcorp); PubMed 18632300 (cited by Labcorp Genetics (formerly Invitae), Labcorp); PubMed 19959640 (cited by 4 submitters); PubMed 24997176 (cited by Labcorp Genetics (formerly Invitae), Labcorp); PubMed 26906952 (cited by Labcorp Genetics (formerly Invitae), Labcorp); PubMed 29343940 (cited by Natera, Inc.); PubMed 36087940 (cited by Natera, Inc.); PubMed 32165824 (cited by Women's Health and Genetics/Laboratory Corporation of America, LabCorp); PubMed 31736247 (cited by Women's Health and Genetics/Laboratory Corporation of America, LabCorp); PubMed 35129589 (cited by Women's Health and Genetics/Laboratory Corporation of America, LabCorp); PubMed 33494148 (cited by Women's Health and Genetics/Laboratory Corporation of America, LabCorp); PubMed 10766140 (cited by Laboratory of Genetics in Ophthalmology, Institut Imagine).

NM_000329.3(RPE65):c.1067dup (p.Asn356fs)

Gene: RPE65 (retinoid isomerohydrolase RPE65; minus strand). Cytogenetic location: 1p31.3.
Variant type: Duplication.
Coding change: c.1067dup on transcript NM_000329.3 (MANE Select); coding-DNA position 1067, one base duplicated (A; older notation c.1067dupA).
Protein change: p.Asn356fs; shifts the reading frame from asparagine 356.
Molecular consequence: frameshift variant.
Genome position (GRCh38, 1-based): chr1:68,438,248, T duplicated on the plus strand (A on the coding strand, the reverse complement: RPE65 is on the minus strand); the first of 8 consecutive T bases (chr1:68,438,248-68,438,255); duplicating any one gives the same sequence. VCF-style (leftmost placement, unchanged base first): chr1-68438247-A-AT. GRCh37 (hg19) VCF-style: chr1-68903930-A-AT.
Other names: NM_000329.3(RPE65):c.1067dup; p.Asn356fs; c.1067dupA (NM_000329.2); short protein forms N356fs.
Identifiers: ClinVar variation 596673 (VCV000596673.32), dbSNP rs281865520, ClinGen allele CA902307.